The following is an entry in ClinVar:

ClinVar aggregate classification (germline): Uncertain significance. Review status: criteria provided, multiple submitters, no conflicts (2 of 4 stars). 2 submissions from 2 submitters: Uncertain significance (2). Last evaluated 2024-09-23.

Allele frequency attached by ClinVar (database versions not stated): ExAC 0.00002; TOPMed 0.00004; gnomAD exomes 0.00005; 1000 Genomes Project 30x 0.00016; 1000 Genomes Project 0.00020.
gnomAD v4.1: 143 of 1,614,214 alleles (0.0089%); highest among the groups gnomAD compares: East Asian, 0.029%; no homozygotes.

Submissions (2):

Blueprint Genetics
Classification: Uncertain significance. Last evaluated: 2024-09-23. Review status: criteria provided, single submitter. Criteria: ACMG Guidelines, 2015. Collection method: clinical testing. Allele origin: germline.

Labcorp Genetics (formerly Invitae), Labcorp
Classification: Uncertain significance. Last evaluated: 2023-07-17. Review status: criteria provided, single submitter. Criteria: Invitae Variant Classification Sherloc (09022015). Collection method: clinical testing. Allele origin: germline.
Comment: In summary, the available evidence is currently insufficient to determine the role of this variant in disease. Therefore, it has been classified as a Variant of Uncertain Significance. Advanced modeling of protein sequence and biophysical properties (such as structural, functional, and spatial information, amino acid conservation, physicochemical variation, residue mobility, and thermodynamic stability) performed at Invitae indicates that this missense variant is not expected to disrupt KCNV2 protein function. ClinVar contains an entry for this variant (Variation ID: 1484514). This variant has not been reported in the literature in individuals affected with KCNV2-related conditions. This variant is present in population databases (rs201847891, gnomAD 0.02%). This sequence change replaces arginine, which is basic and polar, with histidine, which is basic and polar, at codon 36 of the KCNV2 protein (p.Arg36His).

NM_133497.4(KCNV2):c.107G>A (p.Arg36His)

Gene: KCNV2 (potassium voltage-gated channel modifier subfamily V member 2; plus strand). Cytogenetic location: 9p24.2.
Variant type: single nucleotide variant.
Coding change: c.107G>A on transcript NM_133497.4 (MANE Select); coding-DNA position 107, G replaced by A.
Protein change: p.Arg36His; replaces arginine 36 with histidine.
Molecular consequence: missense variant.
Genome position (GRCh38, 1-based): chr9:2,717,846, G>A. VCF-style: chr9-2717846-G-A. GRCh37 (hg19) VCF-style: chr9-2717846-G-A.
Other names: short protein forms R36H.
Identifiers: ClinVar variation 1484514 (VCV001484514.8), dbSNP rs201847891, ClinGen allele CA4965314.
Genomic context (GRCh38, chr9:2,717,846, plus strand): 5'-GGAACACGACGGAGAATGAGGGCAGCCAACACCGCAGGAGCATTTGCTCCCTGGGTGCCC[G>A]TTCCGGCTCCCAGGCCAGCATCCACGGCTGGACAGAGGGCAACTATAACTACTACATCGA-3'
Protein context (NP_598004.1, residues 26-46): HRRSICSLGA[Arg36His]SGSQASIHGW